The following is an entry in ClinVar:

NM_005476.7(GNE):c.992T>G (p.Val331Gly)

Gene: GNE (glucosamine (UDP-N-acetyl)-2-epimerase/N-acetylmannosamine kinase; minus strand). Cytogenetic location: 9p13.3.
Variant type: single nucleotide variant.
Coding change: c.992T>G on transcript NM_005476.7 (MANE Select); coding-DNA position 992, T replaced by G.
Protein change: p.Val331Gly; replaces valine 331 with glycine.
Molecular consequence: missense variant.
Genome position (GRCh38, 1-based): chr9:36,229,099, A>C on the plus strand (T>G on the coding strand, the complement: GNE is on the minus strand). VCF-style: chr9-36229099-A-C. GRCh37 (hg19) VCF-style: chr9-36229096-A-C.
Other names: p.Val362Gly; c.1085T>G, p.Val362Gly (NM_001128227.3); c.992T>G, p.Val331Gly (NM_001190383.3); c.662T>G, p.Val221Gly (NM_001190384.3); c.815T>G, p.Val272Gly (NM_001190388.2, NM_001374798.1); c.839T>G, p.Val280Gly (NM_001374797.1); short protein forms V362G, V331G, V221G, V272G, V280G.
Identifiers: ClinVar variation 558636 (VCV000558636.3), dbSNP rs1554660119, ClinGen allele CA373430128.
Genomic context (GRCh38, chr9:36,229,099, plus strand): 5'-AACTGAAGGTGCAGTGCTTGCAATATTTTGTCTTGGGTGTCAGCATCCCGGACATGAAGA[A>C]CATTCTCCCCTAGGTAAAACCAGTGACACATTACAAGGATTTGGAAGTGGGAATATCCAA-3'
Protein context (NP_005467.1, residues 321-341): RQIGRETGEN[Val331Gly]LHVRDADTQD

ClinVar aggregate classification (germline): Uncertain significance. Review status: criteria provided, single submitter (1 of 4 stars). 2 submissions from 2 submitters: Uncertain significance (1). 1 of the submissions does not count toward it. Last evaluated 2024-07-16.

Conditions:
GNE myopathy (NM). Also called: MYOPATHY, DISTAL, WITH OR WITHOUT RIMMED VACUOLES; INCLUSION BODY MYOPATHY, HEREDITARY, AUTOSOMAL RECESSIVE; INCLUSION BODY MYOPATHY 2, AUTOSOMAL RECESSIVE; IBM 2; Inclusion body myopathy autosomal recessive; Inclusion body myopathy quadriceps sparing. Identifiers: Orphanet 602, MedGen C1853926, MONDO:0011603, OMIM 605820.

Allele frequency attached by ClinVar (database versions not stated): gnomAD exomes below 0.00001.
gnomAD v4.1: 1 of 1,597,996 alleles (0.000063%); highest among the groups gnomAD compares: Non-Finnish European, 0.000086%; no homozygotes.

Submissions (2):

Mayo Clinic Laboratories, Mayo Clinic
Classification: Uncertain significance. Last evaluated: 2024-07-16. Review status: criteria provided, single submitter. Criteria: ACMG Guidelines, 2015. Collection method: clinical testing. Allele origin: germline. Observed: 1 variant allele.
Comment: PP3, PM2, PM5

Counsyl
Classification: Uncertain significance for GNE myopathy. Last evaluated: 2018-06-01. Review status: no assertion criteria provided. Collection method: clinical testing. Allele origin: unknown. Not counted in ClinVar's aggregate classification.

Literature cited by the submitters: PubMed 24695763 (cited by Mayo Clinic Laboratories, Mayo Clinic and Counsyl); PubMed 38383974 (cited by Mayo Clinic Laboratories, Mayo Clinic).